The following is an entry in ClinVar:

ClinVar aggregate classification (germline): Uncertain significance. Review status: criteria provided, multiple submitters, no conflicts (2 of 4 stars). 2 submissions from 2 submitters: Uncertain significance (2). Last evaluated 2024-12-23.

Conditions:
Familial thoracic aortic aneurysm and aortic dissection (TAAD). Also called: Thoracic aortic aneurysms and dissections. Identifiers: Orphanet 91387, MedGen C4707243, MONDO:0019625.

gnomAD v4.1: 8 of 1,613,196 alleles (0.0005%); highest among the groups gnomAD compares: Non-Finnish European, 0.00068%; no homozygotes.

Submissions (2):

Women's Health and Genetics/Laboratory Corporation of America, LabCorp
Classification: Uncertain significance. Last evaluated: 2024-12-23. Review status: criteria provided, single submitter. Criteria: LabCorp Variant Classification Summary - May 2015. Collection method: clinical testing. Allele origin: germline.
Comment: Variant summary: PLOD1 c.1761C>G (p.Asn587Lys) results in a non-conservative amino acid change located in the Nucleotide-diphospho-sugar transferase domain (IPR029044) of the encoded protein sequence. Three of five in-silico tools predict a benign effect of the variant on protein function. The variant allele was found at a frequency of 8e-06 in 250778 control chromosomes. The available data on variant occurrences in the general population are insufficient to allow any conclusion about variant significance. To our knowledge, no occurrence of c.1761C>G in individuals affected with Ehlers-Danlos syndrome, kyphoscoliotic type 1 and no experimental evidence demonstrating its impact on protein function have been reported. ClinVar contains an entry for this variant (Variation ID: 3307798). Based on the evidence outlined above, the variant was classified as uncertain significance.

Ambry Genetics
Classification: Uncertain significance for Familial thoracic aortic aneurysm and aortic dissection. Last evaluated: 2024-04-21. Review status: criteria provided, single submitter. Criteria: Ambry Variant Classification Scheme 2023. Collection method: clinical testing. Allele origin: germline.
Comment: The p.N587K variant (also known as c.1761C>G), located in coding exon 17 of the PLOD1 gene, results from a C to G substitution at nucleotide position 1761. The asparagine at codon 587 is replaced by lysine, an amino acid with similar properties. This amino acid position is conserved. In addition, this alteration is predicted to be tolerated by in silico analysis. Based on the available evidence, the clinical significance of this variant remains unclear.

NM_000302.4(PLOD1):c.1761C>G (p.Asn587Lys)

Gene: PLOD1 (procollagen-lysine,2-oxoglutarate 5-dioxygenase 1; plus strand). Cytogenetic location: 1p36.22.
Variant type: single nucleotide variant.
Coding change: c.1761C>G on transcript NM_000302.4 (MANE Select); coding-DNA position 1761, C replaced by G.
Protein change: p.Asn587Lys; replaces asparagine 587 with lysine.
Molecular consequence: missense variant.
Genome position (GRCh38, 1-based): chr1:11,970,675, C>G. VCF-style: chr1-11970675-C-G. GRCh37 (hg19) VCF-style: chr1-12030732-C-G.
Other names: c.1902C>G, p.Asn634Lys (NM_001316320.2); short protein forms N634K, N587K.
Identifiers: ClinVar variation 3307798 (VCV003307798.2).
Genomic context (GRCh38, chr1:11,970,675, plus strand): 5'-GAGCCTGGGGGCCATCCTAGAATTCTGCCTAAACATTCACCTCGGTCACCTCCAGGACAA[C>G]CGCATCCAGGGTGGCTACGAGAACGTGCCGACTATTGACATCCACATGAACCAGATCGGC-3'
Protein context (NP_000293.2, residues 577-597): GQWSLGNNKD[Asn587Lys]RIQGGYENVP